The following is an entry in ClinVar:

NM_001009944.3(PKD1):c.6979C>T (p.Arg2327Trp)

Gene: PKD1 (polycystin 1, transient receptor potential channel interacting; minus strand). Cytogenetic location: 16p13.3.
Variant type: single nucleotide variant.
Coding change: c.6979C>T on transcript NM_001009944.3 (MANE Select); coding-DNA position 6979, C replaced by T.
Protein change: p.Arg2327Trp; replaces arginine 2327 with tryptophan.
Molecular consequence: missense variant.
Genome position (GRCh38, 1-based): chr16:2,107,969, G>A on the plus strand (C>T on the coding strand, the complement: PKD1 is on the minus strand). VCF-style: chr16-2107969-G-A. GRCh37 (hg19) VCF-style: chr16-2157970-G-A.
Other names: c.6979C>T, p.Arg2327Trp (NM_000296.4); short protein forms R2327W.
Identifiers: ClinVar variation 618812 (VCV000618812.13), dbSNP rs184394342, ClinGen allele CA7831356.

ClinVar aggregate classification (germline): Conflicting classifications of pathogenicity. Review status: criteria provided, conflicting classifications (1 of 4 stars). 3 submissions from 3 submitters: Uncertain significance (1); Likely benign (1). 1 of the submissions does not count toward it. Last evaluated 2026-08-20.

Conditions:
Polycystic kidney disease, adult type (PKD1). Also called: Polycystic Kidney, Autosomal Dominant; Polycystic Kidney Disease 1, Autosomal Dominant; Polycystic kidney disease 1; Polycystic kidney disease 1, severe; POLYCYSTIC KIDNEY DISEASE 1 WITH OR WITHOUT POLYCYSTIC LIVER DISEASE; POLYCYSTIC KIDNEY DISEASE, ADULT, TYPE I. Identifiers: MedGen C3149841, MONDO:0008263, OMIM 173900.

Allele frequency attached by ClinVar (database versions not stated): gnomAD exomes 0.00026; TOPMed 0.00085; 1000 Genomes Project 0.00140; ExAC 0.00025; gnomAD 0.00051; 1000 Genomes Project 30x 0.00141.
gnomAD v4.1: 363 of 1,548,454 alleles (0.023%); highest among the groups gnomAD compares: East Asian, 0.33%; 2 homozygotes.

Submissions (3):

GeneDx
Classification: Uncertain significance. Last evaluated: 2026-08-20. Review status: criteria provided, single submitter. Criteria: GeneDx Variant Classification Process June 2021. Collection method: clinical testing. Allele origin: germline.
Comment: In silico analysis supports that this missense variant has a deleterious effect on protein structure/function; This variant is associated with the following publications: (PMID: 22383692, 27418197)

ARUP Laboratories, Molecular Genetics and Genomics, ARUP Laboratories
Classification: Likely benign for Polycystic kidney disease, adult type. Last evaluated: 2020-01-28. Review status: criteria provided, single submitter. Criteria: ARUP Molecular Germline Variant Investigation Process. Collection method: clinical testing. Allele origin: germline.

Genetic Services Laboratory, University of Chicago
Classification: Likely benign. Last evaluated: 2022-08-29. Review status: no assertion criteria provided. Collection method: clinical testing. Allele origin: germline. Affected: no. Not counted in ClinVar's aggregate classification.